The following is an entry in ClinVar:

ClinVar aggregate classification (germline): Uncertain significance. Review status: criteria provided, single submitter (1 of 4 stars). 2 submissions from 2 submitters: Uncertain significance (1). 1 of the submissions does not count toward it. Last evaluated 2025-04-10.

Conditions:
FUS-related disorder. Also called: FUS-related condition.

Submissions (2):

GeneDx
Classification: Uncertain significance. Last evaluated: 2025-04-10. Review status: criteria provided, single submitter. Criteria: GeneDx Variant Classification Process June 2021. Collection method: clinical testing. Allele origin: germline. Affected: yes.
Comment: Not observed at significant frequency in large population cohorts (gnomAD); In silico analysis indicates that this missense variant does not alter protein structure/function; Has not been previously published as pathogenic or benign to our knowledge

PreventionGenetics, part of Exact Sciences
Classification: Uncertain significance for FUS-related condition. Last evaluated: 2024-01-30. Review status: no assertion criteria provided. Collection method: clinical testing. Allele origin: germline. Not counted in ClinVar's aggregate classification.
Comment: The FUS c.619G>A variant is predicted to result in the amino acid substitution p.Gly207Ser. To our knowledge, this variant has not been reported in the literature or in a large population database, indicating this variant is rare. At this time, the clinical significance of this variant is uncertain due to the absence of conclusive functional and genetic evidence.

NM_004960.4(FUS):c.619G>A (p.Gly207Ser)

Gene: FUS (FUS RNA binding protein; plus strand). Cytogenetic location: 16p11.2.
Variant type: single nucleotide variant.
Coding change: c.619G>A on transcript NM_004960.4 (MANE Select); coding-DNA position 619, G replaced by A.
Protein change: p.Gly207Ser; replaces glycine 207 with serine.
Molecular consequence: missense variant. On other transcripts: non-coding transcript variant (1).
Genome position (GRCh38, 1-based): chr16:31,185,034, G>A. VCF-style: chr16-31185034-G-A. GRCh37 (hg19) VCF-style: chr16-31196355-G-A.
Other names: c.616G>A, p.Gly206Ser (NM_001170634.1); c.607G>A, p.Gly203Ser (NM_001170937.1); short protein forms G203S, G206S, G207S.
Identifiers: ClinVar variation 3349650 (VCV003349650.2).